The following is an entry in ClinVar:

ClinVar aggregate classification (germline): Uncertain significance. Review status: criteria provided, multiple submitters, no conflicts (2 of 4 stars). 2 submissions from 2 submitters: Uncertain significance (2). Last evaluated 2024-08-05.

Conditions:
Developmental and epileptic encephalopathy, 11 (DEE11). Also called: Early infantile epileptic encephalopathy 11. Identifiers: Orphanet 1934, MedGen C3150987, MONDO:0013388, OMIM 613721.
Seizures, benign familial infantile, 3 (BFIS3). Also called: CONVULSIONS, BENIGN FAMILIAL INFANTILE, 3; Familial neonatal seizures. Identifiers: Orphanet 140927, Orphanet 306, MedGen C1843140, MONDO:0011904, OMIM 607745.

Submissions (2):

Labcorp Genetics (formerly Invitae), Labcorp
Classification: Uncertain significance for Seizures, benign familial infantile, 3; Developmental and epileptic encephalopathy, 11. Last evaluated: 2024-08-05. Review status: criteria provided, single submitter. Criteria: Invitae Variant Classification Sherloc (09022015). Collection method: clinical testing. Allele origin: germline.
Comment: This sequence change replaces proline, which is neutral and non-polar, with threonine, which is neutral and polar, at codon 83 of the SCN2A protein (p.Pro83Thr). This variant is not present in population databases (gnomAD no frequency). This variant has not been reported in the literature in individuals affected with SCN2A-related conditions. ClinVar contains an entry for this variant (Variation ID: 1011399). Advanced modeling of protein sequence and biophysical properties (such as structural, functional, and spatial information, amino acid conservation, physicochemical variation, residue mobility, and thermodynamic stability) performed at Invitae indicates that this missense variant is expected to disrupt SCN2A protein function with a positive predictive value of 95%. In summary, the available evidence is currently insufficient to determine the role of this variant in disease. Therefore, it has been classified as a Variant of Uncertain Significance.

Women's Health and Genetics/Laboratory Corporation of America, LabCorp
Classification: Uncertain significance. Last evaluated: 2024-07-02. Review status: criteria provided, single submitter. Criteria: LabCorp Variant Classification Summary - May 2015. Collection method: clinical testing. Allele origin: germline.
Comment: Variant summary: SCN2A c.247C>A (p.Pro83Thr) results in a non-conservative amino acid change in the encoded protein sequence. Three of five in-silico tools predict a damaging effect of the variant on protein function. The variant was absent in 251110 control chromosomes (gnomAD). The available data on variant occurrences in the general population are insufficient to allow any conclusion about variant significance. To our knowledge, no occurrence of c.247C>A in individuals affected with Early Infantile Epileptic Encephalopathy 11 and no experimental evidence demonstrating its impact on protein function have been reported. ClinVar contains an entry for this variant (Variation ID: 1011399). Based on the evidence outlined above, the variant was classified as uncertain significance.

NM_001040142.2(SCN2A):c.247C>A (p.Pro83Thr)

Gene: SCN2A (sodium voltage-gated channel alpha subunit 2; plus strand). Cytogenetic location: 2q24.3.
Variant type: single nucleotide variant.
Coding change: c.247C>A on transcript NM_001040142.2 (MANE Select); coding-DNA position 247, C replaced by A.
Protein change: p.Pro83Thr; replaces proline 83 with threonine.
Molecular consequence: missense variant.
Genome position (GRCh38, 1-based): chr2:165,296,070, C>A. VCF-style: chr2-165296070-C-A. GRCh37 (hg19) VCF-style: chr2-166152580-C-A.
Other names: c.247C>A, p.Pro83Thr (NM_001371247.1, NM_021007.3, NM_001040143.2 and 1 more transcripts); short protein forms P83T.
Identifiers: ClinVar variation 1011399 (VCV001011399.10), dbSNP rs1696490964, ClinGen allele CA349010845.
Genomic context (GRCh38, chr2:165,296,070, plus strand): 5'-CCATTTATTTATGGAGACATTCCTCCAGAGATGGTGTCAGTGCCCCTGGAGGATCTGGAC[C>A]CCTACTATATCAATAAGAAAGTGAGTTCTTAGTCAAGTTGCCTTCACTGCCTATTTACTA-3'
Protein context (NP_001035232.1, residues 73-93): MVSVPLEDLD[Pro83Thr]YYINKKTFIV